The following is an entry in ClinVar:

ClinVar aggregate classification (germline): Uncertain significance (1 of 4 stars; one submission).

gnomAD v4.1: 11 of 1,588,838 alleles (0.00069%); highest among the groups gnomAD compares: South Asian, 0.0034%; no homozygotes.

Submission:

Women's Health and Genetics/Laboratory Corporation of America, LabCorp
Classification: Uncertain significance. Last evaluated: 2025-07-01. Review status: criteria provided, single submitter. Criteria: LabCorp Variant Classification Summary - May 2015. Collection method: clinical testing. Allele origin: germline.
Comment: Variant summary: ADAMTS13 c.3853C>T (p.Arg1285Trp) results in a non-conservative amino acid change in the encoded protein sequence. Algorithms developed to predict the effect of missense changes on protein structure and function are either unavailable or do not agree on the potential impact of this missense change. The variant allele was found at a frequency of 9.8e-06 in 204568 control chromosomes. The available data on variant occurrences in the general population are insufficient to allow any conclusion about variant significance. To our knowledge, no occurrence of c.3853C>T in individuals affected with Thrombotic Thrombocytopenic Purpura and no experimental evidence demonstrating its impact on protein function have been reported. No submitters have cited clinical-significance assessments for this variant to ClinVar. Based on the evidence outlined above, the variant was classified as uncertain significance.

NM_139027.6(ADAMTS13):c.3685C>T (p.Arg1229Trp)

Gene: ADAMTS13 (ADAM metallopeptidase with thrombospondin type 1 motif 13; plus strand). Cytogenetic location: 9q34.2.
Variant type: single nucleotide variant.
Coding change: c.3685C>T on transcript NM_139027.6 (MANE Select); coding-DNA position 3685, C replaced by T.
Protein change: p.Arg1229Trp; replaces arginine 1229 with tryptophan.
Molecular consequence: missense variant. On other transcripts: non-coding transcript variant (1).
Genome position (GRCh38, 1-based): chr9:133,456,680, C>T. VCF-style: chr9-133456680-C-T. GRCh37 (hg19) VCF-style: chr9-136321802-C-T.
Other names: c.3853C>T, p.Arg1285Trp (NM_139025.5); c.3592C>T, p.Arg1198Trp (NM_139026.6); short protein forms R1198W, R1229W, R1285W.
Identifiers: ClinVar variation 3912009 (VCV003912009.2).
Genomic context (GRCh38, chr9:133,456,680, plus strand): 5'-AAGACCAACACGCTGGTGGTGAGGCAGCGCTGCGGGCGGCCAGGAGGTGGGGTGCTGCTG[C>T]GGTATGGGAGCCAGCTTGCTCCTGAAACCTTCTACAGAGGTATGGCCAGGCCTTCTCCAC-3'
Protein context (NP_620596.2, residues 1219-1239): CGRPGGGVLL[Arg1229Trp]YGSQLAPETF